The following is an entry in ClinVar:

NM_002474.3(MYH11):c.2834G>T (p.Arg945Met)

Gene: MYH11 (myosin heavy chain 11; minus strand). Cytogenetic location: 16p13.11.
Variant type: single nucleotide variant.
Coding change: c.2834G>T on transcript NM_002474.3 (MANE Select); coding-DNA position 2834, G replaced by T.
Protein change: p.Arg945Met; replaces arginine 945 with methionine.
Molecular consequence: missense variant.
Genome position (GRCh38, 1-based): chr16:15,741,488, C>A on the plus strand (G>T on the coding strand, the complement: MYH11 is on the minus strand). VCF-style: chr16-15741488-C-A. GRCh37 (hg19) VCF-style: chr16-15835345-C-A.
Other names: c.2855G>T, p.Arg952Met (NM_001040113.2, NM_001040114.2); c.2834G>T, p.Arg945Met (NM_022844.3); short protein forms R945M, R952M.
Identifiers: ClinVar variation 1796628 (VCV001796628.2), dbSNP rs1420946532, ClinGen allele CA394864952.
Genomic context (GRCh38, chr16:15,741,488, plus strand): 5'-GCTACCCACCACGGGCTGCCCCTGTGACACCTTACCAGCATCTGCTGGGCCATCTTCTTC[C>A]TTTCAGCCTGTAGCTGCTGGCCCCTGTCTTCCTCCTCCTCCAGGCGGGCCTCCATCTCAT-3'
Protein context (NP_002465.1, residues 935-955): EDRGQQLQAE[Arg945Met]KKMAQQMLDL

ClinVar aggregate classification (germline): Uncertain significance (1 of 4 stars; one submission).

Conditions:
Familial thoracic aortic aneurysm and aortic dissection (TAAD). Also called: Thoracic aortic aneurysms and dissections. Identifiers: Orphanet 91387, MedGen C4707243, MONDO:0019625.

Submission:

Ambry Genetics
Classification: Uncertain significance for Familial thoracic aortic aneurysm and aortic dissection. Last evaluated: 2022-01-12. Review status: criteria provided, single submitter. Criteria: Ambry Variant Classification Scheme 2023. Collection method: clinical testing. Allele origin: germline.
Comment: The p.R945M variant (also known as c.2834G>T), located in coding exon 21 of the MYH11 gene, results from a G to T substitution at nucleotide position 2834. The arginine at codon 945 is replaced by methionine, an amino acid with similar properties. This amino acid position is conserved. In addition, the in silico prediction for this alteration is inconclusive. Since supporting evidence is limited at this time, the clinical significance of this alteration remains unclear.